The following is an entry in ClinVar:

NM_003500.4(ACOX2):c.1720C>T (p.Arg574Cys)

Gene: ACOX2 (acyl-CoA oxidase 2; minus strand). Cytogenetic location: 3p14.3.
Variant type: single nucleotide variant.
Coding change: c.1720C>T on transcript NM_003500.4 (MANE Select); coding-DNA position 1720, C replaced by T.
Protein change: p.Arg574Cys; replaces arginine 574 with cysteine.
Molecular consequence: missense variant.
Genome position (GRCh38, 1-based): chr3:58,517,336, G>A on the plus strand (C>T on the coding strand, the complement: ACOX2 is on the minus strand). VCF-style: chr3-58517336-G-A. GRCh37 (hg19) VCF-style: chr3-58503063-G-A.
Other names: c.1720C>T (NM_003500.3); short protein forms R574C.
Identifiers: ClinVar variation 2438827 (VCV002438827.6), dbSNP rs151184272, ClinGen allele CA2471969.

ClinVar aggregate classification (germline): Conflicting classifications of pathogenicity. Review status: criteria provided, conflicting classifications (1 of 4 stars). 3 submissions from 3 submitters: Uncertain significance (1); Likely benign (1). 1 of the submissions does not count toward it. Last evaluated 2026-01-28.

Conditions:
ACOX2-related disorder. Also called: ACOX2-related condition.
Congenital bile acid synthesis defect 6. Identifiers: MedGen C4310624, MONDO:0015015, OMIM 617308.

Allele frequency attached by ClinVar (database versions not stated): gnomAD 0.00085; ESP Exome Variant Server 0.00100; 1000 Genomes Project 0.00120; ExAC 0.00021; 1000 Genomes Project 30x 0.00109.
gnomAD v4.1: 257 of 1,614,142 alleles (0.016%); highest among the groups gnomAD compares: African/African-American, 0.3%; 1 homozygote.

Submissions (3):

Labcorp Genetics (formerly Invitae), Labcorp
Classification: Likely benign. Last evaluated: 2026-01-28. Review status: criteria provided, single submitter. Criteria: Invitae Variant Classification Sherloc (09022015). Collection method: clinical testing. Allele origin: germline.

Revvity Omics, Revvity
Classification: Uncertain significance for Congenital bile acid synthesis defect 6. Last evaluated: 2021-04-21. Review status: criteria provided, single submitter. Criteria: ACMG Guidelines, 2015. Collection method: clinical testing. Allele origin: germline.

PreventionGenetics, part of Exact Sciences
Classification: Likely benign for ACOX2-related condition. Last evaluated: 2024-06-19. Review status: no assertion criteria provided. Collection method: clinical testing. Allele origin: germline. Not counted in ClinVar's aggregate classification.
Comment: This variant is classified as likely benign based on ACMG/AMP sequence variant interpretation guidelines (Richards et al. 2015 PMID: 25741868, with internal and published modifications).